The following is an entry in ClinVar:

ClinVar aggregate classification (germline): Uncertain significance (1 of 4 stars; one submission).

Allele frequency attached by ClinVar (database versions not stated): gnomAD exomes 0.00002 and 0.00004; TOPMed 0.00002; ExAC 0.00004; gnomAD 0.00004.

Submission:

Labcorp Genetics (formerly Invitae), Labcorp
Classification: Uncertain significance. Last evaluated: 2025-11-25. Review status: criteria provided, single submitter. Criteria: Invitae Variant Classification Sherloc (09022015). Collection method: clinical testing. Allele origin: germline.
Comment: This sequence change replaces glycine, which is neutral and non-polar, with serine, which is neutral and polar, at codon 241 of the FSCN2 protein (p.Gly241Ser). The frequency data for this variant in the population databases is considered unreliable, as metrics indicate poor data quality at this position in the gnomAD database. This variant has not been reported in the literature in individuals affected with FSCN2-related conditions. ClinVar contains an entry for this variant (Variation ID: 1036512). An algorithm developed to predict the effect of missense changes on protein structure and function (PolyPhen-2) suggests that this variant is likely to be disruptive. In summary, the available evidence is currently insufficient to determine the role of this variant in disease. Therefore, it has been classified as a Variant of Uncertain Significance.

NM_012418.4(FSCN2):c.721G>A (p.Gly241Ser)

Gene: FSCN2 (fascin actin-bundling protein 2, retinal; plus strand). Cytogenetic location: 17q25.3.
Variant type: single nucleotide variant.
Coding change: c.721G>A on transcript NM_012418.4 (MANE Select); coding-DNA position 721, G replaced by A.
Protein change: p.Gly241Ser; replaces glycine 241 with serine.
Molecular consequence: missense variant.
Genome position (GRCh38, 1-based): chr17:81,529,252, G>A. VCF-style: chr17-81529252-G-A. GRCh37 (hg19) VCF-style: chr17-79496278-G-A.
Other names: c.721G>A, p.Gly241Ser (NM_001077182.3); short protein forms G241S.
Identifiers: ClinVar variation 1036512 (VCV001036512.8), dbSNP rs781907499, ClinGen allele CA8836762.